The following is an entry in ClinVar:

NM_018368.4(LMBRD1):c.94T>C (p.Tyr32His)

Gene: LMBRD1 (LMBR1 domain containing 1; minus strand). Cytogenetic location: 6q13.
Variant type: single nucleotide variant.
Coding change: c.94T>C on transcript NM_018368.4 (MANE Select); coding-DNA position 94, T replaced by C.
Protein change: p.Tyr32His; replaces tyrosine 32 with histidine.
Molecular consequence: missense variant. On other transcripts: 5 prime UTR variant (3).
Genome position (GRCh38, 1-based): chr6:69,790,448, A>G on the plus strand (T>C on the coding strand, the complement: LMBRD1 is on the minus strand). VCF-style: chr6-69790448-A-G. GRCh37 (hg19) VCF-style: chr6-70500340-A-G.
Other names: c.-126T>C (NM_001363722.2, NM_001367271.1, NM_001367272.1); short protein forms Y32H.
Identifiers: ClinVar variation 439861 (VCV000439861.14), dbSNP rs373241693, ClinGen allele CA3880001.

ClinVar aggregate classification (germline): Uncertain significance. Review status: criteria provided, multiple submitters, no conflicts (2 of 4 stars). 3 submissions from 3 submitters: Uncertain significance (3). Last evaluated 2025-08-24.

Conditions:
Methylmalonic aciduria and homocystinuria type cblF. Also called: COBALAMIN F DISEASE; COBALAMIN, DEFECT IN LYSOSOMAL RELEASE OF; METHYLMALONIC ACIDEMIA AND HOMOCYSTINURIA, cblF TYPE; METHYLMALONIC ACIDURIA DUE TO VITAMIN B12-RELEASE DEFECT; VITAMIN B12 LYSOSOMAL RELEASE DEFECT; VITAMIN B12 STORAGE DISEASE. Identifiers: Orphanet 79284, MedGen C1848578, MONDO:0010183, OMIM 277380.
Inborn genetic diseases. Identifiers: MedGen C0950123, MeSH D030342.

Allele frequency attached by ClinVar (database versions not stated): gnomAD exomes 0.00010 and 0.00004; ExAC 0.00002; gnomAD 0.00006 and 0.00007; TOPMed 0.00007; ESP Exome Variant Server 0.00008.
gnomAD v4.1: 161 of 1,613,910 alleles (0.01%); highest among the groups gnomAD compares: Non-Finnish European, 0.013%; no homozygotes.

Submissions (3):

Ambry Genetics
Classification: Uncertain significance for Inborn genetic diseases. Last evaluated: 2025-08-24. Review status: criteria provided, single submitter. Criteria: Ambry Variant Classification Scheme 2023. Collection method: clinical testing. Allele origin: germline.

Labcorp Genetics (formerly Invitae), Labcorp
Classification: Uncertain significance for Methylmalonic aciduria and homocystinuria type cblF. Last evaluated: 2022-07-30. Review status: criteria provided, single submitter. Criteria: Invitae Variant Classification Sherloc (09022015). Collection method: clinical testing. Allele origin: germline.
Comment: This sequence change replaces tyrosine, which is neutral and polar, with histidine, which is basic and polar, at codon 32 of the LMBRD1 protein (p.Tyr32His). This variant is present in population databases (rs373241693, gnomAD 0.009%). This variant has not been reported in the literature in individuals affected with LMBRD1-related conditions. ClinVar contains an entry for this variant (Variation ID: 439861). Algorithms developed to predict the effect of missense changes on protein structure and function (SIFT, PolyPhen-2, Align-GVGD) all suggest that this variant is likely to be disruptive. In summary, the available evidence is currently insufficient to determine the role of this variant in disease. Therefore, it has been classified as a Variant of Uncertain Significance.

ARUP Laboratories, Molecular Genetics and Genomics, ARUP Laboratories
Classification: Uncertain significance. Last evaluated: 2017-05-23. Review status: criteria provided, single submitter. Criteria: ARUP Molecular Germline Variant Investigation Process. Collection method: clinical testing. Allele origin: germline.
Comment: The p.Tyr32His variant (rs373241693) has not been reported in the medical literature, gene specific variation databases, nor has it been previously identified by our laboratory. This variant is listed in the NHLBI GO Exome Sequencing Project with an overall population frequency of 0.01 percent (identified on 1 out of 13,006 chromosomes) and is listed in the Exome Aggregation Consortium Browser with an overall population frequency of 0.002 percent (identified on 2 out of 121,256 chromosomes). The tyrosine at position 32 is highly conserved, up to Tetraodon (considering 13 species) (Alamut v.2.9.0) and computational analyses of the effects of the p.Tyr32His variant on protein structure and function provide conflicting results (SIFT: tolerated, MutationTaster: disease causing, PolyPhen-2: probably damaging). Altogether, there is not enough evidence to classify the p.Tyr32His variant with certainty.